The following is an entry in ClinVar:

NM_198428.3(BBS9):c.2220G>A (p.Leu740=)

Gene: BBS9 (Bardet-Biedl syndrome 9; plus strand). Cytogenetic location: 7p14.3.
Variant type: single nucleotide variant.
Coding change: c.2220G>A on transcript NM_198428.3 (MANE Select); coding-DNA position 2220, G replaced by A.
Protein change: p.Leu740=; no amino-acid change (leucine 740 retained).
Molecular consequence: synonymous variant. On other transcripts: non-coding transcript variant (3), intron variant (1).
Genome position (GRCh38, 1-based): chr7:33,505,567, G>A. VCF-style: chr7-33505567-G-A. GRCh37 (hg19) VCF-style: chr7-33545179-G-A.
Other names: p.Leu740=; c.2115G>A, p.Leu705= (NM_001033604.2); c.2205G>A, p.Leu735= (NM_001033605.2); c.2220G>A, p.Leu740= (NM_001348036.1, NM_001348041.4, NM_001348043.3 and 1 more transcripts); c.1947G>A, p.Leu649= (NM_001348038.3); c.1842G>A, p.Leu614= (NM_001348039.3); c.2100G>A, p.Leu700= (NM_001348040.3, NM_014451.4); c.2085G>A, p.Leu695= (NM_001348042.3); and 3 more.
Identifiers: ClinVar variation 263123 (VCV000263123.22), dbSNP rs115809567, ClinGen allele CA4214631.
Genomic context (GRCh38, chr7:33,505,567, plus strand): 5'-GTTCCAGTCATTCACCAGGCTGAAGAGTGCCACCCATTTGGTGATTCTGCTGATCGCGCT[G>A]TGGCAGAAGCTTAGTGCTGACCAGGTTGCTATTCTGGAAGCGGCATTTCTGCCGCTACAA-3'
Protein context (NP_940820.1, residues 730-750): ATHLVILLIA[Leu740=]WQKLSADQVA

ClinVar aggregate classification (germline): Benign/Likely benign. Review status: criteria provided, multiple submitters, no conflicts (2 of 4 stars). 6 submissions from 6 submitters: Benign (5); Likely benign (1). Last evaluated 2026-01-31.

Conditions:
Bardet-Biedl syndrome (BBS). Identifiers: Orphanet 110, MedGen C0752166, MONDO:0015229.
Bardet-Biedl syndrome 9 (BBS9). Identifiers: Orphanet 110, MedGen C1859567, MONDO:0014437, OMIM 615986.

Allele frequency attached by ClinVar (database versions not stated): gnomAD exomes 0.00069 and 0.00198; ExAC 0.00246; gnomAD 0.00708 and 0.00765; 1000 Genomes Project 0.00819; TOPMed 0.00846; 1000 Genomes Project 30x 0.00906; ESP Exome Variant Server 0.00961.
gnomAD v4.1: 2,126 of 1,614,124 alleles (0.13%); highest among the groups gnomAD compares: African/African-American, 2.5%; 20 homozygotes.

Submissions (6):

Labcorp Genetics (formerly Invitae), Labcorp
Classification: Benign for Bardet-Biedl syndrome. Last evaluated: 2026-01-31. Review status: criteria provided, single submitter. Criteria: Invitae Variant Classification Sherloc (09022015). Collection method: clinical testing. Allele origin: germline.

Mayo Clinic Laboratories, Mayo Clinic
Classification: Benign. Last evaluated: 2025-03-05. Review status: criteria provided, single submitter. Criteria: ACMG Guidelines, 2015. Collection method: clinical testing. Allele origin: germline. Observed: 2 variant alleles.
Comment: BS1, BS2, BP4, BP7

Fulgent Genetics
Classification: Likely benign for Bardet-Biedl syndrome 9. Last evaluated: 2021-07-21. Review status: criteria provided, single submitter. Criteria: ACMG Guidelines, 2015. Collection method: clinical testing. Allele origin: unknown.

Genetic Services Laboratory, University of Chicago
Classification: Benign. Last evaluated: 2017-05-17. Review status: criteria provided, single submitter. Criteria: ACMG Guidelines, 2015. Collection method: clinical testing. Allele origin: germline. Affected: no.

Illumina Laboratory Services, Illumina
Classification: Benign for Bardet-Biedl syndrome 9. Last evaluated: 2017-04-27. Review status: criteria provided, single submitter. Criteria: ICSL Variant Classification Criteria 13 December 2019. Collection method: clinical testing. Allele origin: germline.
Comment: This variant was observed as part of a predisposition screen in an ostensibly healthy population. A literature search was performed for the gene, cDNA change, and amino acid change (where applicable). Publications were found based on this search. The evidence from the literature, in combination with allele frequency data from public databases where available, was sufficient to rule this variant out of causing disease. Therefore, this variant is classified as benign.

PreventionGenetics, part of Exact Sciences
Classification: Benign. Review status: criteria provided, single submitter. Criteria: ACMG Guidelines, 2015. Collection method: clinical testing. Allele origin: germline.

Literature cited by the submitters: PubMed 23160099 (cited by Illumina Laboratory Services, Illumina).